The following is an entry in ClinVar:

NM_001282225.2(ADA2):c.1358A>G (p.Tyr453Cys)

Gene: ADA2 (adenosine deaminase 2; minus strand). Cytogenetic location: 22q11.1.
Variant type: single nucleotide variant.
Coding change: c.1358A>G on transcript NM_001282225.2 (MANE Select); coding-DNA position 1358, A replaced by G.
Protein change: p.Tyr453Cys; replaces tyrosine 453 with cysteine.
Molecular consequence: missense variant.
Genome position (GRCh38, 1-based): chr22:17,181,904, T>C on the plus strand (A>G on the coding strand, the complement: ADA2 is on the minus strand). VCF-style: chr22-17181904-T-C. GRCh37 (hg19) VCF-style: chr22-17662794-T-C.
Other names: p.Tyr453Cys; c.1358A>G, p.Tyr453Cys (NM_001282226.2); c.1232A>G, p.Tyr411Cys (NM_001282227.2, NM_001282228.2); c.998A>G, p.Tyr333Cys (NM_001282229.2); c.635A>G, p.Tyr212Cys (NM_177405.3); short protein forms Y453C, Y411C, Y212C, Y333C.
Identifiers: ClinVar variation 120299 (VCV000120299.23), dbSNP rs376785840, ClinGen allele CA150799.

ClinVar aggregate classification (germline): Pathogenic/Likely pathogenic. Review status: criteria provided, multiple submitters, no conflicts (2 of 4 stars). 11 submissions from 11 submitters: Pathogenic (8); Likely pathogenic (1). 2 of the submissions do not count toward it. Last evaluated 2026-04-28.

Conditions:
Autosomal recessive ADA2-related disorders.
ADA2-related disorder. Also called: ADA2-related condition.
Autoinflammatory syndrome. Identifiers: Orphanet 93665, MedGen C3890737, MONDO:0019751.
Deficiency of adenosine deaminase 2. Also called: Polyarteritis nodosa, childhoood-onset; Adenosine Deaminase 2 Deficiency; VASCULITIS, AUTOINFLAMMATION, IMMUNODEFICIENCY, AND HEMATOLOGIC DEFECTS SYNDROME. Identifiers: Orphanet 404553, MedGen C3887654, MONDO:0014306, OMIM 615688, MONDO:0100317.
Sneddon syndrome (SNDNS). Also called: LIVEDO RETICULARIS AND CEREBROVASCULAR ACCIDENTS; Idiopathic livedo reticularis with systemic involvement. Identifiers: Orphanet 820, MedGen C0282492, MONDO:0008436, OMIM 182410.

Allele frequency attached by ClinVar (database versions not stated): gnomAD 0.00007; gnomAD exomes 0.00008 and 0.00012; TOPMed 0.00008; ExAC 0.00013; ESP Exome Variant Server 0.00015.
gnomAD v4.1: 183 of 1,614,136 alleles (0.011%); highest among the groups gnomAD compares: Non-Finnish European, 0.014%; no homozygotes.

Submissions (11):

PreventionGenetics, part of Exact Sciences
Classification: Pathogenic for ADA2-related condition. Last evaluated: 2026-04-28. Review status: criteria provided, single submitter. Criteria: ACMG Guidelines, 2015. Collection method: clinical testing. Allele origin: germline.
Comment: The ADA2 c.1358A>G variant is predicted to result in the amino acid substitution p.Tyr453Cys. This variant has been reported in the homozygous or compound heterozygous state in individuals and family members with ADA2 deficiency (see, for example: Zhou et al. 2014. PubMed ID: 24552284; Caorsi et al. 2017. PubMed ID: 28522451; Uettwiller et al. 2016. PubMed ID: 27252897). In vitro experimental studies indicate this variant leads to reduced ADA2 enzyme activity (Jee et al. 2021. PubMed ID: 34004258). This variant is reported in 0.015% of alleles in individuals of European (non-Finnish) descent in gnomAD. This variant is interpreted as pathogenic.

Dasa
Classification: Pathogenic. Last evaluated: 2026-02-18. Review status: criteria provided, single submitter. Criteria: DASA Assertion Criteria. Collection method: clinical testing. Allele origin: germline.
Comment: NM_001282225.2(ADA2):c.1358A>G (p.Tyr453Cys) is a missense variant that results in the substitution of tyrosine with cysteine. Segregation evidence has been reported in affected families. This variant has been reported in an affected individual with related phenotype in a genotype context consistent with recessive disease (PMID: 27252897). Multiple computational predictions support a deleterious effect on the gene or gene product. The variant is present at low frequency in population datasets. Based on the available data, this variant is classified as pathogenic.

Labcorp Genetics (formerly Invitae), Labcorp
Classification: Pathogenic for Deficiency of adenosine deaminase 2. Last evaluated: 2025-11-25. Review status: criteria provided, single submitter. Criteria: Invitae Variant Classification Sherloc (09022015). Collection method: clinical testing. Allele origin: germline.
Comment: This sequence change replaces tyrosine, which is neutral and polar, with cysteine, which is neutral and slightly polar, at codon 453 of the ADA2 protein (p.Tyr453Cys). This variant is present in population databases (rs376785840, gnomAD 0.01%). This missense change has been observed in individual(s) with ADA2 deficiency and auto-inflammatory disease in multiple families (PMID: 24552284, 27252897). In at least one individual the data is consistent with being in trans (on the opposite chromosome) from a pathogenic variant. It has also been observed to segregate with disease in related individuals. ClinVar contains an entry for this variant (Variation ID: 120299). An algorithm developed to predict the effect of missense changes on protein structure and function outputs the following: PolyPhen-2: "Probably Damaging". The cysteine amino acid residue is found in multiple mammalian species, which suggests that this missense change does not adversely affect protein function. For these reasons, this variant has been classified as Pathogenic.

Mayo Clinic Laboratories, Mayo Clinic
Classification: Pathogenic. Last evaluated: 2025-11-21. Review status: criteria provided, single submitter. Criteria: ACMG Guidelines, 2015. Collection method: clinical testing. Allele origin: germline. Observed: 1 variant allele.
Comment: PP2, PP3, PP4, PM1, PM3_very_strong, PS3_moderate

Variantyx, Inc.
Classification: Pathogenic for Autosomal recessive ADA2-related disorders. Last evaluated: 2025-09-16. Review status: criteria provided, single submitter. Criteria: Variantyx Assertion Criteria 2022. Collection method: clinical testing. Allele origin: germline. Inheritance: Autosomal recessive inheritance. Affected: no.
Comment: This is a nonsynonymous variant in the ADA2 gene (OMIM: 607575). Pathogenic variants in this gene have been associated with autosomal recessive vasculitis, autoinflammation, immunodeficiency, and hematologic defects syndrome. This variant has been reported in the homozygous or compound heterozygous state in many unrelated affected individuals (PMID: 24552284, 27252897) (PM3). Functional studies have shown that this variant alters ADA2 protein function (PMID: 27252897, 34004258) (PS3), and multiple computational algorithms predict a deleterious effect for this variant (REVEL score: 0.874) (PP3). This variant has a 0.0142% maximum allele frequency in non-founder control populations (PM2). Based on the current evidence, this variant is classified as pathogenic for autosomal recessive vasculitis, autoinflammation, immunodeficiency, and hematologic defects syndrome.N

First Genomix Gene Laboratory, Genetic Diagnostics Department
Classification: Pathogenic for Sneddon syndrome; Deficiency of adenosine deaminase 2. Last evaluated: 2025-01-10. Review status: criteria provided, single submitter. Criteria: ACMG Guidelines, 2015. Collection method: clinical testing. Allele origin: germline. Inheritance: Autosomal recessive inheritance. Affected: no. Observed: 1 variant allele.

Blueprint Genetics
Classification: Pathogenic for ADA2-related disorders. Last evaluated: 2024-09-03. Review status: criteria provided, single submitter. Criteria: ACMG Guidelines, 2015. Collection method: clinical testing. Allele origin: germline. Affected: yes. Observed: 5 variant alleles.

Fulgent Genetics
Classification: Pathogenic for Sneddon syndrome; Deficiency of adenosine deaminase 2. Last evaluated: 2024-05-23. Review status: criteria provided, single submitter. Criteria: ACMG Guidelines, 2015. Collection method: clinical testing. Allele origin: germline.

Genome Diagnostics Laboratory, The Hospital for Sick Children
Classification: Likely pathogenic for Autoinflammatory syndrome. Last evaluated: 2020-01-01. Review status: criteria provided, single submitter. Criteria: ACMG Guidelines, 2015. Collection method: clinical testing. Allele origin: germline. Affected: yes.

OMIM
Classification: Pathogenic for VASCULITIS, AUTOINFLAMMATION, IMMUNODEFICIENCY, AND HEMATOLOGIC DEFECTS SYNDROME. Last evaluated: 2014-03-06. Review status: no assertion criteria provided. Collection method: literature only. Allele origin: germline. Not counted in ClinVar's aggregate classification.

GeneReviews
No classification provided. Condition: Deficiency of adenosine deaminase 2. Review status: no classification provided. Collection method: literature only. Allele origin: germline. Not counted in ClinVar's aggregate classification.

Literature cited by the submitters: PubMed 27252897 (cited by 4 submitters); PubMed 24552284 (cited by 4 submitters); PubMed 26914925 (cited by Mayo Clinic Laboratories, Mayo Clinic); PubMed 28522451 (cited by Mayo Clinic Laboratories, Mayo Clinic); PubMed 33021335 (cited by Mayo Clinic Laboratories, Mayo Clinic); PubMed 34004258 (cited by Mayo Clinic Laboratories, Mayo Clinic and Variantyx, Inc.); PubMed 28983775 (cited by GeneReviews); PubMed 31393689 (cited by GeneReviews).